The following is an entry in ClinVar:

ClinVar aggregate classification (germline): Likely benign. Review status: criteria provided, multiple submitters, no conflicts (2 of 4 stars). 5 submissions from 5 submitters: Likely benign (4). 1 of the submissions does not count toward it. Last evaluated 2026-01-12.

Conditions:
Progressive sclerosing poliodystrophy (MTDPS4A). Also called: Alpers Syndrome; Mitochondrial DNA depletion syndrome 4A (Alpers type); Mitochondrial DNA Depletion Syndrome 4A; Alpers-Huttenlocher Syndrome (AHS); ALPERS PROGRESSIVE INFANTILE POLIODYSTROPHY; ALPERS DIFFUSE DEGENERATION OF CEREBRAL GRAY MATTER WITH HEPATIC CIRRHOSIS. Identifiers: Orphanet 726, MedGen C0205710, MONDO:0008758, OMIM 203700.
POLG-related disorder. Also called: POLG-Related Spectrum Disorders; POLG-related condition; POLG-Related Disorders. Identifiers: MedGen C4763519.

Allele frequency attached by ClinVar (database versions not stated): gnomAD exomes 0.00001 and 0.00003; gnomAD 0.00003; TOPMed 0.00010.
gnomAD v4.1: 28 of 1,541,908 alleles (0.0018%); highest among the groups gnomAD compares: African/African-American, 0.037%; no homozygotes.

Submissions (5):

Labcorp Genetics (formerly Invitae), Labcorp
Classification: Likely benign for Progressive sclerosing poliodystrophy. Last evaluated: 2026-01-12. Review status: criteria provided, single submitter. Criteria: Invitae Variant Classification Sherloc (09022015). Collection method: clinical testing. Allele origin: germline.

Blueprint Genetics
Classification: Likely benign. Last evaluated: 2022-11-30. Review status: criteria provided, single submitter. Criteria: ACMG Guidelines, 2015. Collection method: clinical testing. Allele origin: germline.

GeneDx
Classification: Likely benign. Last evaluated: 2019-06-25. Review status: criteria provided, single submitter. Criteria: GeneDx Variant Classification Process June 2021. Collection method: clinical testing. Allele origin: germline. Affected: yes.

Wong Mito Lab, Molecular and Human Genetics, Baylor College of Medicine
Classification: Likely benign for Progressive sclerosing poliodystrophy. Last evaluated: 2018-10-01. Review status: criteria provided, single submitter. Criteria: ACMG Guidelines, 2015. Collection method: clinical testing. Allele origin: germline.
Comment: The NM_002693.2:c.60A>C (NP_002684.1:p.Pro20=) [GRCH38: NC_000015.10:g.89333695T>G] variant in POLG gene is interpretated to be a Likely Benign based on ACMG guidelines (PMID: 25741868). This variant meets the following evidence codes reported in the ACMG-guideline. BP4:Computational evidence/predictors indicate no impact on the POLG structure, function, or protein-protein interaction. BP7:The variant is silent with non predicted splice impact. Based on the evidence criteria codes applied, the variant is suggested to be Likely Benign.

PreventionGenetics, part of Exact Sciences
Classification: Likely benign for POLG-related condition. Last evaluated: 2021-11-19. Review status: no assertion criteria provided. Collection method: clinical testing. Allele origin: germline. Not counted in ClinVar's aggregate classification.
Comment: This variant is classified as likely benign based on ACMG/AMP sequence variant interpretation guidelines (Richards et al. 2015 PMID: 25741868, with internal and published modifications).

NM_002693.3(POLG):c.60A>C (p.Pro20=)

Genes: POLG (DNA polymerase gamma, catalytic subunit; minus strand), POLGARF (POLG alternative reading frame; minus strand). Cytogenetic location: 15q26.1.
Variant type: single nucleotide variant.
Coding change: c.60A>C on transcript NM_002693.3 (MANE Select); coding-DNA position 60, A replaced by C.
Protein change: p.Pro20=; no amino-acid change (proline 20 retained).
Molecular consequence: synonymous variant.
Genome position (GRCh38, 1-based): chr15:89,333,695, T>G on the plus strand (A>C on the coding strand, the complement: POLG is on the minus strand). VCF-style: chr15-89333695-T-G. GRCh37 (hg19) VCF-style: chr15-89876926-T-G.
Other names: c.60A>C, p.Pro20= (NM_001126131.2).
Identifiers: ClinVar variation 619483 (VCV000619483.15), dbSNP rs944054671, ClinGen allele CA10602293.